The following is an entry in ClinVar:

NM_000535.7(PMS2):c.988+1G>T

Gene: PMS2 (PMS1 homolog 2, mismatch repair system component; minus strand). Cytogenetic location: 7p22.1.
Variant type: single nucleotide variant.
Coding change: c.988+1G>T on transcript NM_000535.7 (MANE Select); the canonical splice donor site of the intron after coding-DNA position 988, G replaced by T.
Molecular consequence: splice donor variant. On other transcripts: intron variant (1).
Genome position (GRCh38, 1-based): chr7:5,991,972, C>A on the plus strand (G>T on the coding strand, the complement: PMS2 is on the minus strand). VCF-style: chr7-5991972-C-A. GRCh37 (hg19) VCF-style: chr7-6031603-C-A.
Other names: c.670+1G>T (NM_001322008.2, NM_001406902.1, NM_001406883.1 and 4 more transcripts); c.679+1G>T (NM_001406881.1, NM_001406879.1, NM_001322015.2 and 6 more transcripts); c.583+1G>T (NM_001406895.1, NM_001322010.2, NM_001322004.2 and 19 more transcripts); c.217+1G>T (NM_001406911.1); c.475+1G>T (NM_001406904.1, NM_001406905.1); c.415+1G>T (NM_001322013.2, NM_001406909.1); c.55+1G>T (NM_001322012.2, NM_001322011.2); c.652+1G>T (NM_001406885.1); and 8 more.
Identifiers: ClinVar variation 968704 (VCV000968704.17), dbSNP rs757110564, ClinGen allele CA052736.

ClinVar aggregate classification (germline): Likely pathogenic. Review status: criteria provided, multiple submitters, no conflicts (2 of 4 stars). 6 submissions from 6 submitters: Likely pathogenic (6). Last evaluated 2026-06-30.

Conditions:
Hereditary nonpolyposis colon cancer (HNPCC). Also called: Hereditary nonpolyposis colorectal cancer; Familial nonpolyposis colon cancer; Hereditary Nonpolyposis Colorectal Cancer Syndrome. Identifiers: Orphanet 443909, MedGen C1333990, MONDO:0018630. Disease mechanism: loss of function.
Lynch syndrome. Identifiers: Orphanet 144, MedGen C4552100, MONDO:0005835. Disease mechanism: loss of function.
Lynch syndrome 4 (LYNCH4). Also called: Hereditary non-polyposis colorectal cancer, type 4; Colorectal cancer, hereditary nonpolyposis, type 4. Identifiers: Orphanet 144, MedGen C1838333, MONDO:0013699, OMIM 614337. Disease mechanism: loss of function.
Hereditary nonpolyposis colorectal neoplasms. Identifiers: MedGen C0009405, MeSH D003123.
Hereditary cancer-predisposing syndrome. Also called: Tumor predisposition; Hereditary Cancer Syndrome; Neoplastic Syndromes, Hereditary; Hereditary neoplastic syndrome. Identifiers: Orphanet 140162, MedGen C0027672, MeSH D009386, MONDO:0015356.

Allele frequency attached by ClinVar (database versions not stated): gnomAD exomes below 0.00001; ExAC 0.00001.
gnomAD v4.1: 1 of 1,492,890 alleles (0.000067%); highest among the groups gnomAD compares: Non-Finnish European, 0.000094%; no homozygotes.

Submissions (6):

Women's Health and Genetics/Laboratory Corporation of America, LabCorp
Classification: Likely pathogenic for Hereditary nonpolyposis colon cancer. Last evaluated: 2026-06-30. Review status: criteria provided, single submitter. Criteria: LabCorp Variant Classification Summary - May 2015. Collection method: clinical testing. Allele origin: germline.
Comment: Variant summary: PMS2 c.988+1G>T is located in a canonical splice-site and is predicted to affect mRNA splicing resulting in a significantly altered protein due to either exon skipping, shortening, or inclusion of intronic material. Variants that disrupt the consensus splice site are a relatively common cause of aberrant splicing and loss of PMS2 function. Several computational tools predict a significant impact on normal splicing: Four predict the variant abolishes a 5' splicing donor site. However, these predictions have yet to be confirmed by functional studies. The variant allele was found at a frequency of 4e-06 in 250960 control chromosomes. c.988+1G>T has been observed in individual(s) affected with glioma (Wang_2024). These report(s) do not provide unequivocal conclusions about association of the variant with disease. To our knowledge, no experimental evidence demonstrating an impact on protein function has been reported. The following publication has been ascertained in the context of this evaluation (PMID: 39493880). ClinVar contains an entry for this variant (Variation ID: 968704). Based on the evidence outlined above, the variant was classified as likely pathogenic.

Labcorp Genetics (formerly Invitae), Labcorp
Classification: Likely pathogenic for Hereditary nonpolyposis colorectal neoplasms. Last evaluated: 2026-01-21. Review status: criteria provided, single submitter. Criteria: Invitae Variant Classification Sherloc (09022015). Collection method: clinical testing. Allele origin: germline.
Comment: This sequence change affects a donor splice site in intron 9 of the PMS2 gene. It is expected to disrupt RNA splicing. Variants that disrupt the donor or acceptor splice site typically lead to a loss of protein function (PMID: 16199547), and loss-of-function variants in PMS2 are known to be pathogenic (PMID: 21376568, 24362816). This variant is present in population databases (rs757110564, gnomAD 0.0009%). Disruption of this splice site has been observed in individual(s) with endometrial cancer (PMID: 38851388). ClinVar contains an entry for this variant (Variation ID: 968704). Algorithms developed to predict the effect of sequence changes on RNA splicing suggest that this variant may disrupt the consensus splice site. In summary, the currently available evidence indicates that the variant is pathogenic, but additional data are needed to prove that conclusively. Therefore, this variant has been classified as Likely Pathogenic.

Myriad Genetics, Inc.
Classification: Likely pathogenic for Lynch syndrome 4. Last evaluated: 2023-09-19. Review status: criteria provided, single submitter. Criteria: Myriad Autosomal Dominant, Autosomal Recessive and X-Linked Classification Criteria (2023). Collection method: clinical testing. Allele origin: unknown.
Comment: This variant is considered likely pathogenic. This variant occurs within a consensus splice junction and is predicted to result in abnormal mRNA splicing of either an out-of-frame exon or an in-frame exon necessary for protein stability and/or normal function.

All of Us Research Program, National Institutes of Health
Classification: Likely pathogenic for Lynch syndrome. Last evaluated: 2023-09-18. Review status: criteria provided, single submitter. Criteria: ACMG Guidelines, 2015. Collection method: clinical testing. Allele origin: germline. Inheritance: Autosomal dominant inheritance. Observed: 1 variant allele, 1 heterozygote.
Comment: This variant causes a G to T nucleotide substitution at the canonical +1 position of intron 9 splice donor of the PMS2 gene. Splice site prediction tools predict that this variant may have a significant impact on RNA splicing and cause out-of-frame skipping of exon 9. Although functional studies have not been reported for this variant, it is expected to result in an absent or non-functional protein product. This variant has not been reported in individuals affected with PMS2-related disorders in the literature. This variant has been identified in 1/250960 chromosomes in the general population by the Genome Aggregation Database (gnomAD). Loss of PMS2 function is a known mechanism of disease. Based on the available evidence, this variant is classified as Likely Pathogenic.

This study involves interpretation of variants in research participants for the purpose of population health screening. Participant phenotype was not available at the time of variant classification. Additional details can be found in publication PMID: 35346344, PMCID: PMC8962531

Color Diagnostics, LLC DBA Color Health
Classification: Likely pathogenic for Hereditary cancer-predisposing syndrome. Last evaluated: 2023-07-26. Review status: criteria provided, single submitter. Criteria: ACMG Guidelines, 2015. Collection method: clinical testing. Allele origin: germline.
Comment: This variant causes a G to T nucleotide substitution at the canonical +1 position of intron 9 splice donor of the PMS2 gene. Splice site prediction tools predict that this variant may have a significant impact on RNA splicing and cause out-of-frame skipping of exon 9. Although functional studies have not been reported for this variant, it is expected to result in an absent or non-functional protein product. This variant has not been reported in individuals affected with PMS2-related disorders in the literature. This variant has been identified in 1/250960 chromosomes in the general population by the Genome Aggregation Database (gnomAD). Loss of PMS2 function is a known mechanism of disease. Based on the available evidence, this variant is classified as Likely Pathogenic.

Ambry Genetics
Classification: Likely pathogenic for Hereditary cancer-predisposing syndrome. Last evaluated: 2018-03-06. Review status: criteria provided, single submitter. Criteria: Ambry Variant Classification Scheme 2023. Collection method: clinical testing. Allele origin: germline.
Comment: The c.988+1G>T intronic variant results from a G to T substitution one nucleotide after coding exon 9 of the PMS2 gene. This nucleotide position is highly conserved in available vertebrate species. Using the BDGP and ESEfinder splice site prediction tools, this alteration is predicted to abolish the native splice donor site; however, direct evidence is unavailable. Alterations that disrupt the canonical splice site are expected to cause aberrant splicing, resulting in an abnormal protein or a transcript that is subject to nonsense-mediated mRNA decay. As such, this alteration is classified as likely pathogenic.

Literature cited by the submitters: PubMed 39493880 (cited by Women's Health and Genetics/Laboratory Corporation of America, LabCorp); PubMed 16199547 (cited by Labcorp Genetics (formerly Invitae), Labcorp); PubMed 21376568 (cited by Labcorp Genetics (formerly Invitae), Labcorp); PubMed 24362816 (cited by Labcorp Genetics (formerly Invitae), Labcorp); PubMed 38851388 (cited by Labcorp Genetics (formerly Invitae), Labcorp).